The following is an entry in ClinVar:

NM_000744.7(CHRNA4):c.161C>G (p.Pro54Arg)

Gene: CHRNA4 (cholinergic receptor nicotinic alpha 4 subunit; minus strand). Cytogenetic location: 20q13.33.
Variant type: single nucleotide variant.
Coding change: c.161C>G on transcript NM_000744.7 (MANE Select); coding-DNA position 161, C replaced by G.
Protein change: p.Pro54Arg; replaces proline 54 with arginine.
Molecular consequence: missense variant. On other transcripts: 5 prime UTR variant (1), non-coding transcript variant (1).
Genome position (GRCh38, 1-based): chr20:63,359,615, G>C on the plus strand (C>G on the coding strand, the complement: CHRNA4 is on the minus strand). VCF-style: chr20-63359615-G-C. GRCh37 (hg19) VCF-style: chr20-61990967-G-C.
Other names: c.-386C>G (NM_001256573.2); short protein forms P54R.
Identifiers: ClinVar variation 1525934 (VCV001525934.8), dbSNP rs2145408375, ClinGen allele CA409643530.

ClinVar aggregate classification (germline): Uncertain significance (1 of 4 stars; one submission).

Conditions:
Familial sleep-related hypermotor epilepsy. Also called: Autosomal Dominant Sleep-Related Hypermotor (Hyperkinetic) Epilepsy. Identifiers: Orphanet 98784, MedGen C3696898, MONDO:0000030.

Submission:

Labcorp Genetics (formerly Invitae), Labcorp
Classification: Uncertain significance. Last evaluated: 2021-04-13. Review status: criteria provided, single submitter. Criteria: Invitae Variant Classification Sherloc (09022015). Collection method: clinical testing. Allele origin: germline.
Comment: This variant is not present in population databases (ExAC no frequency). This sequence change replaces proline with arginine at codon 54 of the CHRNA4 protein (p.Pro54Arg). The proline residue is highly conserved and there is a moderate physicochemical difference between proline and arginine. This variant has not been reported in the literature in individuals with CHRNA4-related conditions. In summary, the available evidence is currently insufficient to determine the role of this variant in disease. Therefore, it has been classified as a Variant of Uncertain Significance. Algorithms developed to predict the effect of missense changes on protein structure and function are either unavailable or do not agree on the potential impact of this missense change (SIFT: "Deleterious"; PolyPhen-2: "Probably Damaging"; Align-GVGD: "Class C0").